The following is an entry in ClinVar:

NM_001377458.1(CLCC1):c.1214del (p.Gly405fs)

Gene: CLCC1 (chloride channel CLIC like 1; minus strand). Cytogenetic location: 1p13.3.
Variant type: Deletion.
Coding change: c.1214del on transcript NM_001377458.1 (MANE Select); coding-DNA position 1214, one base deleted (G; older notation c.1214delG).
Protein change: p.Gly405fs; shifts the reading frame from glycine 405.
Molecular consequence: frameshift variant. On other transcripts: non-coding transcript variant (1).
Genome position (GRCh38, 1-based): chr1:108,937,246, C deleted on the plus strand (G on the coding strand, the reverse complement: CLCC1 is on the minus strand); the first of 3 consecutive C bases (chr1:108,937,246-108,937,248); deleting any one gives the same sequence. VCF-style (leftmost placement, unchanged base first): chr1-108937245-GC-G. GRCh37 (hg19) VCF-style: chr1-109479867-GC-G.
Other names: c.1214del, p.Gly405fs (NM_001048210.3, NM_001377459.1, NM_001377460.1 and 8 more transcripts); c.851del, p.Gly284fs (NM_001278202.2); c.659del, p.Gly220fs (NM_001278203.1); c.1112del, p.Gly371fs (NM_001377469.1); c.923del, p.Gly308fs (NM_001377470.1); c.1064del, p.Gly355fs (NM_015127.5); short protein forms G284fs, G308fs, G371fs, G405fs, G355fs, G220fs.
Identifiers: ClinVar variation 2052290 (VCV002052290.4), dbSNP rs2524113223, ClinGen allele CA2580060771.
Genomic context (GRCh38, chr1:108,937,245, plus strand): 5'-CTCTCTCAAAATCTCTCTTCTACCCTCATACGTTTTGGCATAAGGGCCTTGCTCAGTGGG[GC>G]CCATTTGGCCCCTATAATGGAAATCGGCATCACCTGCTCCACCATCAGGTCTATAATCAA-3'

ClinVar aggregate classification (germline): Uncertain significance (1 of 4 stars; one submission).

Submission:

Labcorp Genetics (formerly Invitae), Labcorp
Classification: Uncertain significance. Last evaluated: 2025-04-19. Review status: criteria provided, single submitter. Criteria: Invitae Variant Classification Sherloc (09022015). Collection method: clinical testing. Allele origin: germline.
Comment: This sequence change creates a premature translational stop signal (p.Gly405Alafs*19) in the CLCC1 gene. It is expected to result in an absent or disrupted protein product. However, the current clinical and genetic evidence is not sufficient to establish whether loss-of-function variants in CLCC1 cause disease. This variant is not present in population databases (gnomAD no frequency). This variant has not been reported in the literature in individuals affected with CLCC1-related conditions. ClinVar contains an entry for this variant (Variation ID: 2052290). In summary, the available evidence is currently insufficient to determine the role of this variant in disease. Therefore, it has been classified as a Variant of Uncertain Significance.